The following is an entry in ClinVar:

NM_001852.4(COL9A2):c.1003C>G (p.Leu335Val)

Gene: COL9A2 (collagen type IX alpha 2 chain; minus strand). Cytogenetic location: 1p34.2.
Variant type: single nucleotide variant.
Coding change: c.1003C>G on transcript NM_001852.4 (MANE Select); coding-DNA position 1003, C replaced by G.
Protein change: p.Leu335Val; replaces leucine 335 with valine.
Molecular consequence: missense variant.
Genome position (GRCh38, 1-based): chr1:40,307,451, G>C on the plus strand (C>G on the coding strand, the complement: COL9A2 is on the minus strand). VCF-style: chr1-40307451-G-C. GRCh37 (hg19) VCF-style: chr1-40773123-G-C.
Other names: short protein forms L335V.
Identifiers: ClinVar variation 258364 (VCV000258364.21), dbSNP rs2228567, ClinGen allele CA791640.
Genomic context (GRCh38, chr1:40,307,451, plus strand): 5'-AACCTCATCAGCCACTAGCCCCTGGCCAGCCCCTGTGGCTCCACCTGACACTTACCGCTA[G>C]GCCCTGGTGGCCTGGACTTCCGGGCTGTCCCGCCTGTCCTGCACTGCCCTGGGATAGACA-3'
Protein context (NP_001843.1, residues 325-345): GQPGSPGHQG[Leu335Val]AGVPGQPGTK

ClinVar aggregate classification (germline): Benign/Likely benign. Review status: criteria provided, multiple submitters, no conflicts (2 of 4 stars). 10 submissions from 10 submitters: Benign (7); Likely benign (1). 2 of the submissions do not count toward it. Last evaluated 2026-05-09.

Conditions:
Epiphyseal dysplasia, multiple, 2 (EDM2). Also called: COL9A2-Related Multiple Epiphyseal Dysplasia. Identifiers: MedGen C1838429, MONDO:0010844, OMIM 600204.

Allele frequency attached by ClinVar (database versions not stated): 1000 Genomes Project 30x 0.08432; 1000 Genomes Project 0.08466; gnomAD 0.09793 and 0.09823; ESP Exome Variant Server 0.09988; TOPMed 0.09992; gnomAD exomes 0.10416; ExAC 0.10770.
gnomAD v4.1: 192,489 of 1,613,598 alleles (12%); highest among the groups gnomAD compares: Non-Finnish European, 13%; 12,060 homozygotes.

Submissions (10):

Women's Health and Genetics/Laboratory Corporation of America, LabCorp
Classification: Likely benign. Last evaluated: 2026-05-09. Review status: criteria provided, single submitter. Criteria: LabCorp Variant Classification Summary - May 2015. Collection method: clinical testing. Allele origin: germline.

Labcorp Genetics (formerly Invitae), Labcorp
Classification: Benign. Last evaluated: 2026-02-04. Review status: criteria provided, single submitter. Criteria: Invitae Variant Classification Sherloc (09022015). Collection method: clinical testing. Allele origin: germline.

Blueprint Genetics
Classification: Benign. Last evaluated: 2024-11-26. Review status: criteria provided, single submitter. Criteria: ACMG Guidelines, 2015. Collection method: clinical testing. Allele origin: germline.

Mayo Clinic Laboratories, Mayo Clinic
Classification: Benign. Last evaluated: 2019-05-16. Review status: criteria provided, single submitter. Criteria: ACMG Guidelines, 2015. Collection method: clinical testing. Allele origin: germline. Observed: 52 variant alleles.

Illumina Laboratory Services, Illumina
Classification: Benign for Epiphyseal dysplasia, multiple, 2. Last evaluated: 2018-01-13. Review status: criteria provided, single submitter. Criteria: ICSL Variant Classification Criteria 13 December 2019. Collection method: clinical testing. Allele origin: germline.
Comment: This variant was observed in the ICSL laboratory as part of a predisposition screen in an ostensibly healthy population. It had not been previously curated by ICSL or reported in the Human Gene Mutation Database (HGMD: prior to June 1st, 2018), and was therefore a candidate for classification through an automated scoring system. Utilizing variant allele frequency, disease prevalence and penetrance estimates, and inheritance mode, an automated score was calculated to assess if this variant is too frequent to cause the disease. Based on the score and internal cut-off values, a variant classified as benign is not then subjected to further curation. The score for this variant resulted in a classification of benign for this disease.

GeneDx
Classification: Benign. Last evaluated: 2016-10-06. Review status: criteria provided, single submitter. Criteria: GeneDx Variant Classification (06012015). Collection method: clinical testing. Allele origin: germline. Affected: yes.
Comment: This variant is considered likely benign or benign based on one or more of the following criteria: it is a conservative change, it occurs at a poorly conserved position in the protein, it is predicted to be benign by multiple in silico algorithms, and/or has population frequency not consistent with disease.

Breakthrough Genomics
Classification: Benign. Review status: criteria provided, single submitter. Criteria: ACMG Guidelines, 2015. Collection method: not provided. Allele origin: germline. Inheritance: Autosomal recessive inheritance. Affected: yes.

PreventionGenetics, part of Exact Sciences
Classification: Benign. Review status: criteria provided, single submitter. Criteria: ACMG Guidelines, 2015. Collection method: clinical testing. Allele origin: germline.

Genome Diagnostics Laboratory, Amsterdam University Medical Center
Classification: Benign. Review status: no assertion criteria provided. Collection method: clinical testing. Allele origin: germline. Affected: yes. Study: VKGL Data-share Consensus. Not counted in ClinVar's aggregate classification.

Joint Genome Diagnostic Labs from Nijmegen and Maastricht, Radboudumc and MUMC+
Classification: Benign. Review status: no assertion criteria provided. Collection method: clinical testing. Allele origin: germline. Affected: yes. Study: VKGL Data-share Consensus. Not counted in ClinVar's aggregate classification.